The following is an entry in ClinVar:

NM_000180.4(GUCY2D):c.884T>G (p.Leu295Arg)

Gene: GUCY2D (guanylate cyclase 2D, retinal; plus strand). Cytogenetic location: 17p13.1.
Variant type: single nucleotide variant.
Coding change: c.884T>G on transcript NM_000180.4 (MANE Select); coding-DNA position 884, T replaced by G.
Protein change: p.Leu295Arg; replaces leucine 295 with arginine.
Molecular consequence: missense variant.
Genome position (GRCh38, 1-based): chr17:8,004,014, T>G. VCF-style: chr17-8004014-T-G. GRCh37 (hg19) VCF-style: chr17-7907332-T-G.
Other names: short protein forms L295R.
Identifiers: ClinVar variation 1399486 (VCV001399486.8), dbSNP rs2151799705, ClinGen allele CA397945816.

ClinVar aggregate classification (germline): Uncertain significance (1 of 4 stars; one submission).

Conditions:
Cone-rod dystrophy 6 (CORD6). Also called: RETINAL CONE DYSTROPHY 2; Cone dystrophy progressive. Identifiers: Orphanet 1872, MedGen C1866293, MONDO:0011143, OMIM 601777.
Leber congenital amaurosis 1 (LCA1). Also called: Congenital absence of the rods and cones; Leber's congenital tapetoretinal degeneration; Leber's congenital tapetoretinal dysplasia; AMAUROSIS CONGENITA OF LEBER I; RETINAL BLINDNESS, CONGENITAL. Identifiers: Orphanet 65, MedGen C2931258, MONDO:0008764, OMIM 204000.

Submission:

Labcorp Genetics (formerly Invitae), Labcorp
Classification: Uncertain significance for Leber congenital amaurosis 1; Cone-rod dystrophy 6. Last evaluated: 2024-03-04. Review status: criteria provided, single submitter. Criteria: Invitae Variant Classification Sherloc (09022015). Collection method: clinical testing. Allele origin: germline.
Comment: This sequence change replaces leucine, which is neutral and non-polar, with arginine, which is basic and polar, at codon 295 of the GUCY2D protein (p.Leu295Arg). This variant is not present in population databases (gnomAD no frequency). This variant has not been reported in the literature in individuals affected with GUCY2D-related conditions. ClinVar contains an entry for this variant (Variation ID: 1399486). Advanced modeling of protein sequence and biophysical properties (such as structural, functional, and spatial information, amino acid conservation, physicochemical variation, residue mobility, and thermodynamic stability) performed at Invitae indicates that this missense variant is not expected to disrupt GUCY2D protein function with a negative predictive value of 80%. In summary, the available evidence is currently insufficient to determine the role of this variant in disease. Therefore, it has been classified as a Variant of Uncertain Significance.